The following is an entry in ClinVar:

ClinVar aggregate classification (germline): Uncertain significance (1 of 4 stars; one submission).

Conditions:
Cardiovascular phenotype. Identifiers: MedGen CN230736.

gnomAD v4.1: 4 of 1,385,036 alleles (0.00029%); highest among the groups gnomAD compares: East Asian, 0.0051%; no homozygotes.

Submission:

Ambry Genetics
Classification: Uncertain significance for Cardiovascular phenotype. Last evaluated: 2026-04-12. Review status: criteria provided, single submitter. Criteria: Ambry Variant Classification Scheme 2023. Collection method: clinical testing. Allele origin: germline.
Comment: The p.Q312H variant (also known as c.936A>C), located in coding exon 8 of the AKAP9 gene, results from an A to C substitution at nucleotide position 936. The glutamine at codon 312 is replaced by histidine, an amino acid with highly similar properties. This amino acid position is conserved. In addition, this alteration is predicted to be tolerated by in silico analysis. Based on the available evidence, the clinical significance of this variant remains unclear.

NM_005751.5(AKAP9):c.936A>C (p.Gln312His)

Gene: AKAP9 (A-kinase anchoring protein 9; plus strand). Cytogenetic location: 7q21.2.
Variant type: single nucleotide variant.
Coding change: c.936A>C on transcript NM_005751.5 (MANE Select); coding-DNA position 936, A replaced by C.
Protein change: p.Gln312His; replaces glutamine 312 with histidine.
Molecular consequence: missense variant.
Genome position (GRCh38, 1-based): chr7:92,000,853, A>C. VCF-style: chr7-92000853-A-C. GRCh37 (hg19) VCF-style: chr7-91630167-A-C.
Other names: c.936A>C, p.Gln312His (NM_147185.3); short protein forms Q312H.
Identifiers: ClinVar variation 4868952 (VCV004868952.1).
Genomic context (GRCh38, chr7:92,000,853, plus strand): 5'-TAATTTGCCAGAAGCTAAAAATGCCATTCTTACATTTTCATTTTTTTTCCTAAAGGAACA[A>C]GATAAAAAAGTAGAAAACTCAAATAAAGAAGAAATACAGGAAAAGGAGACAATCATTGAA-3'
Protein context (NP_005742.4, residues 302-322): QEKIKVYEME[Gln312His]DKKVENSNKE